The following is an entry in ClinVar:

ClinVar aggregate classification (germline): Benign. Review status: criteria provided, multiple submitters, no conflicts (2 of 4 stars). 2 submissions from 2 submitters: Benign (2). Last evaluated 2018-06-15.

Allele frequency attached by ClinVar (database versions not stated): gnomAD exomes 0.00532; gnomAD 0.03148 and 0.03297; TOPMed 0.03490; 1000 Genomes Project 30x 0.03951; 1000 Genomes Project 0.04034.
gnomAD v4.1: 8,427 of 818,302 alleles (1%); highest among the groups gnomAD compares: African/African-American, 10%; 403 homozygotes.

Submissions (2):

GeneDx
Classification: Benign. Last evaluated: 2018-06-15. Review status: criteria provided, single submitter. Criteria: GeneDx Variant Classification (06012015). Collection method: clinical testing. Allele origin: germline. Affected: yes.
Comment: This variant is considered likely benign or benign based on one or more of the following criteria: it is a conservative change, it occurs at a poorly conserved position in the protein, it is predicted to be benign by multiple in silico algorithms, and/or has population frequency not consistent with disease.

Breakthrough Genomics
Classification: Benign. Review status: criteria provided, single submitter. Criteria: ACMG Guidelines, 2015. Collection method: not provided. Allele origin: germline. Inheritance: Autosomal dominant inheritance. Affected: yes.

NM_002691.4(POLD1):c.1776-195C>A

Gene: POLD1 (DNA polymerase delta 1, catalytic subunit; plus strand). Cytogenetic location: 19q13.33.
Variant type: single nucleotide variant.
Coding change: c.1776-195C>A on transcript NM_002691.4 (MANE Select); 195 bases into the intron before coding-DNA position 1776, C replaced by A.
Molecular consequence: intron variant.
Genome position (GRCh38, 1-based): chr19:50,408,590, C>A. VCF-style: chr19-50408590-C-A. GRCh37 (hg19) VCF-style: chr19-50911847-C-A.
Other names: c.1776-195C>A (NM_001256849.1); c.1776-117C>A (NM_001308632.1).
Identifiers: ClinVar variation 679796 (VCV000679796.2), dbSNP rs10422878, ClinGen allele CA309601989.